The following is an entry in ClinVar:

ClinVar aggregate classification (germline): Uncertain significance. Review status: criteria provided, multiple submitters, no conflicts (2 of 4 stars). 3 submissions from 3 submitters: Uncertain significance (3). Last evaluated 2025-05-19.

gnomAD v4.1: 17 of 1,611,450 alleles (0.0011%); highest among the groups gnomAD compares: African/African-American, 0.0027%; no homozygotes.

Submissions (3):

Ambry Genetics
Classification: Uncertain significance. Last evaluated: 2025-05-19. Review status: criteria provided, single submitter. Criteria: Ambry Variant Classification Scheme 2023. Collection method: clinical testing. Allele origin: germline.
Comment: The p.R455H variant (also known as c.1364G>A), located in coding exon 11 of the RECQL gene, results from a G to A substitution at nucleotide position 1364. The arginine at codon 455 is replaced by histidine, an amino acid with highly similar properties. This amino acid position is highly conserved in available vertebrate species. In addition, this alteration is predicted to be deleterious by in silico analysis. Since supporting evidence is limited at this time, the clinical significance of this alteration remains unclear.

Labcorp Genetics (formerly Invitae), Labcorp
Classification: Uncertain significance. Last evaluated: 2024-10-28. Review status: criteria provided, single submitter. Criteria: Invitae Variant Classification Sherloc (09022015). Collection method: clinical testing. Allele origin: germline.
Comment: This sequence change replaces arginine, which is basic and polar, with histidine, which is basic and polar, at codon 455 of the RECQL protein (p.Arg455His). This variant is present in population databases (no rsID available, gnomAD 0.06%). This variant has not been reported in the literature in individuals affected with RECQL-related conditions. ClinVar contains an entry for this variant (Variation ID: 856659). Invitae Evidence Modeling of protein sequence and biophysical properties (such as structural, functional, and spatial information, amino acid conservation, physicochemical variation, residue mobility, and thermodynamic stability) indicates that this missense variant is not expected to disrupt RECQL protein function with a negative predictive value of 80%. In summary, the available evidence is currently insufficient to determine the role of this variant in disease. Therefore, it has been classified as a Variant of Uncertain Significance.

GeneDx
Classification: Uncertain significance. Last evaluated: 2021-08-25. Review status: criteria provided, single submitter. Criteria: GeneDx Variant Classification Process June 2021. Collection method: clinical testing. Allele origin: germline. Affected: yes.
Comment: Not observed at a significant frequency in large population cohorts (Lek 2016); In silico analysis supports that this missense variant has a deleterious effect on protein structure/function; Has not been previously published as pathogenic or benign to our knowledge; This variant is associated with the following publications: (PMID: 19151156, 27248010)

NM_002907.4(RECQL):c.1364G>A (p.Arg455His)

Gene: RECQL (RecQ like helicase; minus strand). Cytogenetic location: 12p12.1.
Variant type: single nucleotide variant.
Coding change: c.1364G>A on transcript NM_002907.4 (MANE Select); coding-DNA position 1364, G replaced by A.
Protein change: p.Arg455His; replaces arginine 455 with histidine.
Molecular consequence: missense variant.
Genome position (GRCh38, 1-based): chr12:21,473,634, C>T on the plus strand (G>A on the coding strand, the complement: RECQL is on the minus strand). VCF-style: chr12-21473634-C-T. GRCh37 (hg19) VCF-style: chr12-21626568-C-T.
Other names: c.1364G>A, p.Arg455His (NM_032941.3); short protein forms R455H.
Identifiers: ClinVar variation 856659 (VCV000856659.17), dbSNP rs778148225, ClinGen allele CA384117769.